The following is an entry in ClinVar:

ClinVar aggregate classification (germline): Uncertain significance (1 of 4 stars; one submission).

Submission:

Women's Health and Genetics/Laboratory Corporation of America, LabCorp
Classification: Uncertain significance. Last evaluated: 2025-02-25. Review status: criteria provided, single submitter. Criteria: LabCorp Variant Classification Summary - May 2015. Collection method: clinical testing. Allele origin: germline.
Comment: Variant summary: FTO c.751+1G>T is located in a canonical splice-site and is predicted to affect mRNA splicing resulting in a significantly altered protein due to either exon skipping, shortening, or inclusion of intronic material. Variants that disrupt the consensus splice site are a relatively common cause of aberrant splicing, however current evidence is not sufficient to establish loss of function as a mechanism for disease. Several computational tools predict a significant impact on normal splicing: Four predict the variant abolishes a 5' splicing donor site. However, these predictions have yet to be confirmed by functional studies. The variant was absent in 249072 control chromosomes. The available data on variant occurrences in the general population are insufficient to allow any conclusion about variant significance. To our knowledge, no occurrence of c.751+1G>T in individuals affected with FTO-Related Disorders and no experimental evidence demonstrating its impact on protein function have been reported. No submitters have cited clinical-significance assessments for this variant to ClinVar. Based on the evidence outlined above, the variant was classified as uncertain significance.

NM_001080432.3(FTO):c.751+1G>T

Gene: FTO (FTO alpha-ketoglutarate dependent dioxygenase; plus strand). Cytogenetic location: 16q12.2.
Variant type: single nucleotide variant.
Coding change: c.751+1G>T on transcript NM_001080432.3 (MANE Select); the canonical splice donor site of the intron after coding-DNA position 751, G replaced by T.
Molecular consequence: splice donor variant. On other transcripts: missense variant (3).
Genome position (GRCh38, 1-based): chr16:53,826,492, G>T. VCF-style: chr16-53826492-G-T. GRCh37 (hg19) VCF-style: chr16-53860404-G-T.
Other names: c.752G>T, p.Gly251Val (NM_001363891.2, NM_001363898.2, NM_001363899.2); c.238+1G>T (NM_001363905.2); c.751+1G>T (NM_001363894.2, NM_001363988.2, NM_001363896.2 and 6 more transcripts); c.673+1G>T (NM_001363897.2); short protein forms G251V.
Identifiers: ClinVar variation 3768682 (VCV003768682.1).
Genomic context (GRCh38, chr16:53,826,492, plus strand): 5'-ATCATGATGAAAATCTGGTGGACAGGTCAGCGGTGGCAGTGTACAGTTATAGCTGTGAAG[G>T]TACAGTCTGCTCTTGGAAAAAGCAGCCCTGTATGTAATAATATGACCCGAGTTGTTTAGG-3'